The following is an entry in ClinVar:

NM_020975.6(RET):c.2342A>G (p.Gln781Arg)

Gene: RET (ret proto-oncogene; plus strand). Cytogenetic location: 10q11.21.
Variant type: single nucleotide variant.
Coding change: c.2342A>G on transcript NM_020975.6 (MANE Select); coding-DNA position 2342, A replaced by G.
Protein change: p.Gln781Arg; replaces glutamine 781 with arginine.
Molecular consequence: missense variant.
Genome position (GRCh38, 1-based): chr10:43,118,430, A>G. VCF-style: chr10-43118430-A-G. GRCh37 (hg19) VCF-style: chr10-43613878-A-G.
Other names: c.2342A>G, p.Gln781Arg (NM_000323.2, NM_001406743.1, NM_001406744.1 and 4 more transcripts); c.1580A>G, p.Gln527Arg (NM_001355216.2); c.2213A>G, p.Gln738Arg (NM_001406761.1, NM_001406762.1, NM_001406764.1); c.2207A>G, p.Gln736Arg (NM_001406763.1, NM_001406765.1); c.2054A>G, p.Gln685Arg (NM_001406766.1, NM_001406767.1, NM_001406770.1); c.2078A>G, p.Gln693Arg (NM_001406768.1); c.1946A>G, p.Gln649Arg (NM_001406769.1, NM_001406772.1); c.1904A>G, p.Gln635Arg (NM_001406771.1, NM_001406773.1); and 10 more; short protein forms Q781R, Q527R, Q346R, Q482R, Q386R, Q442R, Q649R, Q685R.
Identifiers: ClinVar variation 24938 (VCV000024938.19), dbSNP rs377767416, ClinGen allele CA008687.

ClinVar aggregate classification (germline): Conflicting classifications of pathogenicity. Review status: criteria provided, conflicting classifications (1 of 4 stars). 6 submissions from 6 submitters: Uncertain significance (5); Likely benign (1). Last evaluated 2025-10-03.

Conditions:
Hereditary cancer-predisposing syndrome. Also called: Neoplastic Syndromes, Hereditary; Tumor predisposition; Hereditary Cancer Syndrome; Hereditary neoplastic syndrome. Identifiers: Orphanet 140162, MedGen C0027672, MeSH D009386, MONDO:0015356.
Hereditary cancer. Identifiers: MedGen C1333600.
Multiple endocrine neoplasia, type 2 (MEN2). Identifiers: Orphanet 653, MedGen C4048306, MONDO:0019003. Disease mechanism: gain of function.

Allele frequency attached by ClinVar (database versions not stated): gnomAD exomes below 0.00001; gnomAD 0.00001; 1000 Genomes Project 30x 0.00016; 1000 Genomes Project 0.00020.
gnomAD v4.1: 4 of 1,614,162 alleles (0.00025%); highest among the groups gnomAD compares: Admixed American, 0.0033%; no homozygotes.

Submissions (6):

Ambry Genetics
Classification: Uncertain significance for Hereditary cancer-predisposing syndrome. Last evaluated: 2025-10-03. Review status: criteria provided, single submitter. Criteria: Ambry Variant Classification Scheme 2023. Collection method: clinical testing. Allele origin: germline.
Comment: The p.Q781R variant (also known as c.2342A>G), located in coding exon 13 of the RET gene, results from an A to G substitution at nucleotide position 2342. The glutamine at codon 781 is replaced by arginine, an amino acid with highly similar properties. This alteration was further detected in conjunction with another RET alteration, S904C, in 3/3 individuals diagnosed with medullary thyroid cancer from one family (Opsahl EM et al. Thyroid. 2016 09;26:1225-38). This amino acid position is highly conserved in available vertebrate species. In addition, this alteration is predicted to be deleterious by in silico analysis. Since supporting evidence is limited at this time, the clinical significance of this alteration remains unclear.

Center for Genomic Medicine, Rigshospitalet, Copenhagen University Hospital
Classification: Uncertain significance. Last evaluated: 2025-03-04. Review status: criteria provided, single submitter. Criteria: ACMG Guidelines, 2015. Collection method: clinical testing. Allele origin: germline.

Labcorp Genetics (formerly Invitae), Labcorp
Classification: Uncertain significance for Multiple endocrine neoplasia, type 2. Last evaluated: 2025-02-17. Review status: criteria provided, single submitter. Criteria: Invitae Variant Classification Sherloc (09022015). Collection method: clinical testing. Allele origin: germline.
Comment: This sequence change replaces glutamine, which is neutral and polar, with arginine, which is basic and polar, at codon 781 of the RET protein (p.Gln781Arg). This variant is not present in population databases (gnomAD no frequency). This missense change has been observed in individual(s) with clinical features of RET-related conditions (PMID: 12072055, 23468374). ClinVar contains an entry for this variant (Variation ID: 24938). An algorithm developed to predict the effect of missense changes on protein structure and function (PolyPhen-2) suggests that this variant is likely to be tolerated. In summary, the available evidence is currently insufficient to determine the role of this variant in disease. Therefore, it has been classified as a Variant of Uncertain Significance.

Mendelics
Classification: Likely benign for Hereditary cancer. Last evaluated: 2024-01-23. Review status: criteria provided, single submitter. Criteria: ACMG Guidelines, 2015. Collection method: clinical testing. Allele origin: unknown.

All of Us Research Program, National Institutes of Health
Classification: Uncertain significance for Multiple endocrine neoplasia, type 2. Last evaluated: 2023-11-30. Review status: criteria provided, single submitter. Criteria: ACMG Guidelines, 2015. Collection method: clinical testing. Allele origin: germline. Inheritance: Autosomal dominant inheritance. Observed: 1 variant allele, 1 heterozygote.
Comment: This study involves interpretation of variants in research participants for the purpose of population health screening. Participant phenotype was not available at the time of variant classification. Additional details can be found in publication PMID: 35346344, PMCID: PMC8962531

Quest Diagnostics Nichols Institute San Juan Capistrano
Classification: Uncertain significance. Last evaluated: 2021-07-01. Review status: criteria provided, single submitter. Criteria: Quest Diagnostics criteria. Collection method: clinical testing. Allele origin: unknown.

Literature cited by the submitters: PubMed 12072055 (cited by 4 submitters); PubMed 23468374 (cited by 4 submitters); PubMed 27400880 (cited by Ambry Genetics); PubMed 28946813 (cited by 3 submitters).